The following is an entry in ClinVar:

ClinVar aggregate classification (germline): Likely benign. Review status: reviewed by expert panel (3 of 4 stars). 7 submissions from 7 submitters: Likely benign (1). 6 of the submissions do not count toward it. Last evaluated 2025-06-09.

Conditions:
Monogenic diabetes. Identifiers: Orphanet 183625, MedGen C3888631, MONDO:0015967.
Type 2 diabetes mellitus. Also called: Type II diabetes mellitus. Identifiers: MedGen C0011860, MeSH D003924, MONDO:0005148, OMIM 125853, HP:0005978.
Fanconi renotubular syndrome 4 with maturity-onset diabetes of the young (FRTS4). Also called: FRTS4 WITH MODY. Identifiers: Orphanet 93111, MedGen C4014962, MONDO:0014458, OMIM 616026.
Maturity-onset diabetes of the young type 1. Also called: MODY type 1; Diabetes mellitus MODY type 1; MODY HNF4A related; HNF4A-Related Maturity-Onset Diabetes of the Young Type 1; MODY, type I; MILD JUVENILE DIABETES MELLITUS. Identifiers: Orphanet 552, MedGen C1852093, MONDO:0007452, OMIM 125850. Disease mechanism: loss of function.
HNF4A-related disorder. Also called: HNF4A-related condition.

Allele frequency attached by ClinVar (database versions not stated): ExAC 0.00005; gnomAD 0.00005 and 0.00006; gnomAD exomes 0.00007; TOPMed 0.00009; 1000 Genomes Project 30x 0.00016; 1000 Genomes Project 0.00020.
gnomAD v4.1: 78 of 1,614,070 alleles (0.0048%); highest among the groups gnomAD compares: Admixed American, 0.017%; no homozygotes.

Submissions (7):

ClinGen Monogenic Diabetes Variant Curation Expert Panel
Classification: Likely benign for Monogenic diabetes. Last evaluated: 2025-06-09. Review status: reviewed by expert panel. Criteria: ClinGen Diabetes ACMG Specifications HNF4A V2.0.0. Collection method: curation. Allele origin: germline. Inheritance: Autosomal dominant inheritance.
Comment: The c.1199G>A variant in the HNF4 homeobox A gene, HNF4A, causes an amino acid change of arginine to glutamine at codon 400 (p.(Arg400Gln)) of NM_175914.5. This variant has a Grpmax Filtering allele frequency in gnomAD 2.1.1 of 0.00009487, which is greater than the MDEP threshold for BS1 (greater than or equal to 0.000033) (BS1). This variant was identified in at least 7 unrelated individuals with non- autoimmune and non-absolute/near-absolute insulin-deficient diabetes; however, PS4 cannot be applied because the variant MAF in gnomAD is above the ClinGen MDEP PM2_Supporting cutoff (ClinVar Variation ID: 1411449, internal lab contributors). Several of these individuals have antibody-negative diabetes; however, the calculated MODY probability is <50% (internal lab contributors). Additionally, this variant is predicted to be benign by computational evidence, with a REVEL score of 0.06199, which is less than the MDEP threshold of 0.15 (BP4). Lastly, this variant was identified in a patient with an alternate molecular basis for disease (BP5; internal lab contributor). In summary, this variant meets the criteria to be classified as likely benign for monogenic diabetes. ACMG/AMP criteria applied, as specified by the ClinGen MDEP (specification version 2.0.0, approved 10/11/2023): BS1, BP4, BP5.

PreventionGenetics, part of Exact Sciences
Classification: Likely benign for HNF4A-related condition. Last evaluated: 2025-04-17. Review status: criteria provided, single submitter. Criteria: ACMG Guidelines, 2015. Collection method: clinical testing. Allele origin: germline. Not counted in ClinVar's aggregate classification.
Comment: This variant is classified as likely benign based on ACMG/AMP sequence variant interpretation guidelines (Richards et al. 2015 PMID: 25741868, with internal and published modifications).

Labcorp Genetics (formerly Invitae), Labcorp
Classification: Uncertain significance. Last evaluated: 2025-02-10. Review status: criteria provided, single submitter. Criteria: Invitae Variant Classification Sherloc (09022015). Collection method: clinical testing. Allele origin: germline. Not counted in ClinVar's aggregate classification.
Comment: This sequence change replaces arginine, which is basic and polar, with glutamine, which is neutral and polar, at codon 400 of the HNF4A protein (p.Arg400Gln). This variant is present in population databases (rs202073574, gnomAD 0.02%). This variant has not been reported in the literature in individuals affected with HNF4A-related conditions. ClinVar contains an entry for this variant (Variation ID: 1411449). An algorithm developed to predict the effect of missense changes on protein structure and function outputs the following: PolyPhen-2: "Benign". The glutamine amino acid residue is found in multiple mammalian species, which suggests that this missense change does not adversely affect protein function. In summary, the available evidence is currently insufficient to determine the role of this variant in disease. Therefore, it has been classified as a Variant of Uncertain Significance.

Women's Health and Genetics/Laboratory Corporation of America, LabCorp
Classification: Likely benign. Last evaluated: 2024-07-09. Review status: criteria provided, single submitter. Criteria: LabCorp Variant Classification Summary - May 2015. Collection method: clinical testing. Allele origin: germline. Not counted in ClinVar's aggregate classification.
Comment: Variant summary: HNF4A c.1199G>A (p.Arg400Gln) results in a conservative amino acid change in the encoded protein sequence. Four of five in-silico tools predict a benign effect of the variant on protein function. The variant allele was found at a frequency of 6.8e-05 in 250610 control chromosomes. The observed variant frequency is approximately 21 fold of the estimated maximal expected allele frequency for a pathogenic variant in HNF4A causing Maturity Onset Diabetes Of The Young 1/Neonatal Diabetes Mellitus phenotype (3.1e-06). To our knowledge, no occurrence of c.1199G>A in individuals affected with Maturity Onset Diabetes Of The Young 1/Neonatal Diabetes Mellitus and no experimental evidence demonstrating its impact on protein function have been reported. ClinVar contains an entry for this variant (Variation ID: 1411449). Based on the evidence outlined above, the variant was classified as likely benign.

CeGaT Center for Human Genetics Tuebingen
Classification: Likely benign. Last evaluated: 2024-06-01. Review status: criteria provided, single submitter. Criteria: CeGaT Center For Human Genetics Tuebingen Variant Classification Criteria Version 2. Collection method: clinical testing. Allele origin: germline. Affected: yes. Observed: 1 variant allele. Not counted in ClinVar's aggregate classification.
Comment: HNF4A: BP4

New York Genome Center
Classification: Uncertain significance for Type 2 diabetes mellitus; Maturity-onset diabetes of the young type 1; Fanconi renotubular syndrome 4 with maturity-onset diabetes of the young. Last evaluated: 2023-03-16. Review status: criteria provided, single submitter. Criteria: NYGC Assertion Criteria 2020. Collection method: clinical testing. Allele origin: germline. Observed: 1 heterozygote. Not counted in ClinVar's aggregate classification.
Comment: The c.1265G>A p.(Arg422Gln) variant in the HNF4A gene has not previously been reported in the literature and it has been deposited in ClinVar [ClinVar ID: 1411449] as a Variant of Uncertain Significance. The c.1265G>A variant is observed in 45 alleles (~0.006% minor allele frequency with 0homozygotes) in population databases (gnomAD v2.1.1 and v3.1.2, TOPMed Freeze 8), suggesting it is not a common benign variant in the populations represented in those databases. The c.1265G>A variant in HNF4A is located in exon 9 of this 10-exon gene, and predicted to replace a moderately conserved arginine amino acid with glutamine at position 422 of the encoded protein. In silico predictions are inconclusive of the variant's effect [(CADD v1.6 = 22.1, REVEL = 0.062)]; however, there are no functional studies to support or refute these predictions. Based on available evidence this c.1265G>A p.(Arg422Gln) variant identified in HNF4A is classified as a Variant of Uncertain Significance.

Fulgent Genetics
Classification: Uncertain significance for Maturity-onset diabetes of the young type 1; Type 2 diabetes mellitus; Fanconi renotubular syndrome 4 with maturity-onset diabetes of the young. Last evaluated: 2021-12-06. Review status: criteria provided, single submitter. Criteria: ACMG Guidelines, 2015. Collection method: clinical testing. Allele origin: unknown. Not counted in ClinVar's aggregate classification.

NM_175914.5(HNF4A):c.1199G>A (p.Arg400Gln)

Gene: HNF4A (hepatocyte nuclear factor 4 alpha; plus strand). Cytogenetic location: 20q13.12.
Variant type: single nucleotide variant.
Coding change: c.1199G>A on transcript NM_175914.5 (MANE Select); coding-DNA position 1199, G replaced by A.
Protein change: p.Arg400Gln; replaces arginine 400 with glutamine.
Molecular consequence: missense variant. On other transcripts: intron variant (3).
Genome position (GRCh38, 1-based): chr20:44,428,470, G>A. VCF-style: chr20-44428470-G-A. GRCh37 (hg19) VCF-style: chr20-43057110-G-A.
Other names: NM_175914.5(HNF4A):c.1199G>A; p.Arg400Gln; c.1265G>A, p.Arg422Gln (NM_000457.6); c.1244G>A, p.Arg415Gln (NM_001258355.2); c.1190G>A, p.Arg397Gln (NM_001287183.2); c.1177+13G>A (NM_001287182.2); c.1186+13G>A (NM_001030003.3); c.1252+13G>A (NM_178849.3); and 1 more; short protein forms R415Q, R397Q, R400Q, R422Q.
Identifiers: ClinVar variation 1411449 (VCV001411449.30), dbSNP rs202073574, ClinGen allele CA9870497.